The following is an entry in ClinVar:

NM_020937.4(FANCM):c.5149A>C (p.Lys1717Gln)

Gene: FANCM (FA complementation group M; plus strand). Cytogenetic location: 14q21.2.
Variant type: single nucleotide variant.
Coding change: c.5149A>C on transcript NM_020937.4 (MANE Select); coding-DNA position 5149, A replaced by C.
Protein change: p.Lys1717Gln; replaces lysine 1717 with glutamine.
Molecular consequence: missense variant.
Genome position (GRCh38, 1-based): chr14:45,189,171, A>C. VCF-style: chr14-45189171-A-C. GRCh37 (hg19) VCF-style: chr14-45658374-A-C.
Other names: c.5071A>C, p.Lys1691Gln (NM_001308133.2); short protein forms K1691Q, K1717Q.
Identifiers: ClinVar variation 1718441 (VCV001718441.5), dbSNP rs2503245451, ClinGen allele CA389612664.
Genomic context (GRCh38, chr14:45,189,171, plus strand): 5'-AAGAACAAACAACAGGACCATTGTTTAAATTCAGTGCCTTCTGGATCTTCTGCGCAGTCC[A>C]AGGTGCGTTCTACTCCAAGAGTTAATCCATTAGCAAAGCAGAGCAAACAGACATCGCTGA-3'
Protein context (NP_065988.1, residues 1707-1727): SVPSGSSAQS[Lys1717Gln]VRSTPRVNPL

ClinVar aggregate classification (germline): Uncertain significance (1 of 4 stars; one submission).

Conditions:
Fanconi anemia (FA). Also called: Fanconi's anemia. Identifiers: Orphanet 84, MedGen C0015625, MeSH D005199, MONDO:0019391.

Submission:

Labcorp Genetics (formerly Invitae), Labcorp
Classification: Uncertain significance for Fanconi anemia. Last evaluated: 2022-08-31. Review status: criteria provided, single submitter. Criteria: Invitae Variant Classification Sherloc (09022015). Collection method: clinical testing. Allele origin: germline.
Comment: In summary, the available evidence is currently insufficient to determine the role of this variant in disease. Therefore, it has been classified as a Variant of Uncertain Significance. Algorithms developed to predict the effect of missense changes on protein structure and function output the following: SIFT: "Tolerated"; PolyPhen-2: "Benign"; Align-GVGD: "Class C0". The glutamine amino acid residue is found in multiple mammalian species, which suggests that this missense change does not adversely affect protein function. This variant has not been reported in the literature in individuals affected with FANCM-related conditions. This variant is not present in population databases (gnomAD no frequency). This sequence change replaces lysine, which is basic and polar, with glutamine, which is neutral and polar, at codon 1717 of the FANCM protein (p.Lys1717Gln).